The following is an entry in ClinVar:

ClinVar aggregate classification (germline): Uncertain significance (1 of 4 stars; one submission).

Conditions:
Hyper-IgE recurrent infection syndrome 3, autosomal recessive. Also called: Autosomal recessive hyper-IgE syndrome due to ZNF341 deficiency; HYPER-IgE SYNDROME 3, AUTOSOMAL RECESSIVE, WITH RECURRENT INFECTIONS. Identifiers: Orphanet 641368, MedGen C4748969, MONDO:0032654, OMIM 618282.

Allele frequency attached by ClinVar (database versions not stated): gnomAD exomes 0.00004 and 0.00001; TOPMed 0.00001.
gnomAD v4.1: 8 of 1,591,290 alleles (0.0005%); highest among the groups gnomAD compares: Admixed American, 0.012%; no homozygotes.

Submission:

Labcorp Genetics (formerly Invitae), Labcorp
Classification: Uncertain significance for Combined immunodeficiency due to DOCK8 deficiency. Last evaluated: 2022-12-02. Review status: criteria provided, single submitter. Criteria: Invitae Variant Classification Sherloc (09022015). Collection method: clinical testing. Allele origin: germline.
Comment: This variant has not been reported in the literature in individuals affected with DOCK8-related conditions. In summary, the available evidence is currently insufficient to determine the role of this variant in disease. Therefore, it has been classified as a Variant of Uncertain Significance. Algorithms developed to predict the effect of missense changes on protein structure and function (SIFT, PolyPhen-2, Align-GVGD) all suggest that this variant is likely to be tolerated. ClinVar contains an entry for this variant (Variation ID: 854436). This variant is present in population databases (no rsID available, gnomAD 0.03%). This sequence change replaces leucine, which is neutral and non-polar, with phenylalanine, which is neutral and non-polar, at codon 14 of the DOCK8 protein (p.Leu14Phe).

NM_203447.4(DOCK8):c.40C>T (p.Leu14Phe)

Genes: DOCK8 (dedicator of cytokinesis 8; plus strand), DOCK8-AS1 (DOCK8 antisense RNA 1; minus strand), LOC130001437 (ATAC-STARR-seq lymphoblastoid silent region 19722; plus strand). Cytogenetic location: 9p24.3.
Variant type: single nucleotide variant.
Coding change: c.40C>T on transcript NM_203447.4 (MANE Select); coding-DNA position 40, C replaced by T.
Protein change: p.Leu14Phe; replaces leucine 14 with phenylalanine.
Molecular consequence: missense variant. On other transcripts: non-coding transcript variant (1).
Genome position (GRCh38, 1-based): chr9:215,016, C>T. VCF-style: chr9-215016-C-T. GRCh37 (hg19) VCF-style: chr9-215016-C-T.
Other names: short protein forms L14F.
Identifiers: ClinVar variation 854436 (VCV000854436.6), dbSNP rs1273096402, ClinGen allele CA372755763.